The following is an entry in ClinVar:

ClinVar aggregate classification (germline): Uncertain significance (1 of 4 stars; one submission).

Allele frequency attached by ClinVar (database versions not stated): gnomAD 0.00001; gnomAD exomes 0.00001; ExAC 0.00002; TOPMed 0.00003.
gnomAD v4.1: 17 of 1,614,062 alleles (0.0011%); highest among the groups gnomAD compares: African/African-American, 0.0067%; no homozygotes.

Submission:

Labcorp Genetics (formerly Invitae), Labcorp
Classification: Uncertain significance. Last evaluated: 2022-03-11. Review status: criteria provided, single submitter. Criteria: Invitae Variant Classification Sherloc (09022015). Collection method: clinical testing. Allele origin: germline.
Comment: This sequence change replaces arginine, which is basic and polar, with glutamine, which is neutral and polar, at codon 2752 of the LRP2 protein (p.Arg2752Gln). This variant is present in population databases (rs750566206, gnomAD 0.008%). This variant has not been reported in the literature in individuals affected with LRP2-related conditions. Algorithms developed to predict the effect of missense changes on protein structure and function are either unavailable or do not agree on the potential impact of this missense change (SIFT: "Deleterious"; PolyPhen-2: "Probably Damaging"; Align-GVGD: "Class C0"). In summary, the available evidence is currently insufficient to determine the role of this variant in disease. Therefore, it has been classified as a Variant of Uncertain Significance.

NM_004525.3(LRP2):c.8255G>A (p.Arg2752Gln)

Gene: LRP2 (LDL receptor related protein 2; minus strand). Cytogenetic location: 2q31.1.
Variant type: single nucleotide variant.
Coding change: c.8255G>A on transcript NM_004525.3 (MANE Select); coding-DNA position 8255, G replaced by A.
Protein change: p.Arg2752Gln; replaces arginine 2752 with glutamine.
Molecular consequence: missense variant.
Genome position (GRCh38, 1-based): chr2:169,201,825, C>T on the plus strand (G>A on the coding strand, the complement: LRP2 is on the minus strand). VCF-style: chr2-169201825-C-T. GRCh37 (hg19) VCF-style: chr2-170058335-C-T.
Other names: short protein forms R2752Q.
Identifiers: ClinVar variation 1986886 (VCV001986886.1), dbSNP rs750566206, ClinGen allele CA1953898.
Genomic context (GRCh38, chr2:169,201,825, plus strand): 5'-TCATCACTGCCATCACCACAGTCATTGTAGTAATCACAGCGGTAAGAGTATTGGACACAT[C>T]GCCCATTGGCACAGGTGAAGGCTGTCGGTGAGCAGGTGTGAAGTGCTAAGAACAGGAAAA-3'
Protein context (NP_004516.2, residues 2742-2762): SPTAFTCANG[Arg2752Gln]CVQYSYRCDY